The following is an entry in ClinVar:

ClinVar aggregate classification (germline): Uncertain significance. Review status: criteria provided, multiple submitters, no conflicts (2 of 4 stars). 2 submissions from 2 submitters: Uncertain significance (2). Last evaluated 2025-07-21.

Conditions:
Bethlem myopathy 1A. Also called: Bethlem Muscular Dystrophy; MYOPATHY, BENIGN CONGENITAL, WITH CONTRACTURES; Bethlem myopathy 1. Identifiers: Orphanet 610, MedGen CN029274, MONDO:0024530, OMIM 158810.

Allele frequency attached by ClinVar (database versions not stated): gnomAD 0.00002 and 0.00001; TOPMed 0.00002; ESP Exome Variant Server 0.00008; gnomAD exomes below 0.00001.
gnomAD v4.1: 8 of 1,613,024 alleles (0.0005%); highest among the groups gnomAD compares: African/African-American, 0.0027%; no homozygotes.

Submissions (2):

Labcorp Genetics (formerly Invitae), Labcorp
Classification: Uncertain significance for Bethlem myopathy 1A. Last evaluated: 2025-07-21. Review status: criteria provided, single submitter. Criteria: Invitae Variant Classification Sherloc (09022015). Collection method: clinical testing. Allele origin: germline.
Comment: This sequence change replaces arginine, which is basic and polar, with cysteine, which is neutral and slightly polar, at codon 713 of the COL6A2 protein (p.Arg713Cys). This variant is not present in population databases (gnomAD no frequency). This variant has not been reported in the literature in individuals affected with COL6A2-related conditions. ClinVar contains an entry for this variant (Variation ID: 1046246). Invitae Evidence Modeling of protein sequence and biophysical properties (such as structural, functional, and spatial information, amino acid conservation, physicochemical variation, residue mobility, and thermodynamic stability) indicates that this missense variant is not expected to disrupt COL6A2 protein function with a negative predictive value of 80%. In summary, the available evidence is currently insufficient to determine the role of this variant in disease. Therefore, it has been classified as a Variant of Uncertain Significance.

Neuberg Centre For Genomic Medicine, NCGM
Classification: Uncertain significance for Bethlem myopathy 1A. Last evaluated: 2023-05-20. Review status: criteria provided, single submitter. Criteria: ACMG Guidelines, 2015. Collection method: clinical testing. Allele origin: germline. Inheritance: Autosomal dominant inheritance. Affected: yes.
Comment: The missense c.2137C>T (p.Arg713Cys) variant in the COL6A2 gene has not been reported previously as a pathogenic variant nor as a benign variant, to our knowledge. This variant is absent in the gnomAD Exomes. This variant has been reported to the ClinVar database as Uncertain significance. However, no details are available for independent assessment. The amino acid Arginine at position 713 is changed to a Cystine changing protein sequence and it might alter its composition and physico-chemical properties. Multiple lines of computational evidence (Polyphen - Damaging, SIFT – Damaging and MutationTaster - Polymorphism) predict a damaging effect on protein structure and function for this variant. The amino acid change p.Arg713Cys in COL6A2 is predicted as conserved by PhyloP across 100 vertebrates. For these reasons, this variant has been classified as Uncertain Significance.

NM_001849.4(COL6A2):c.2137C>T (p.Arg713Cys)

Gene: COL6A2 (collagen type VI alpha 2 chain; plus strand). Cytogenetic location: 21q22.3.
Variant type: single nucleotide variant.
Coding change: c.2137C>T on transcript NM_001849.4 (MANE Select); coding-DNA position 2137, C replaced by T.
Protein change: p.Arg713Cys; replaces arginine 713 with cysteine.
Molecular consequence: missense variant.
Genome position (GRCh38, 1-based): chr21:46,125,952, C>T. VCF-style: chr21-46125952-C-T. GRCh37 (hg19) VCF-style: chr21-47545866-C-T.
Other names: c.2137C>T, p.Arg713Cys (NM_058174.3, NM_058175.3); short protein forms R713C.
Identifiers: ClinVar variation 1046246 (VCV001046246.10), dbSNP rs139627965, ClinGen allele CA321972684.